The following is an entry in ClinVar:

NM_177438.3(DICER1):c.5720G>T (p.Arg1907Ile)

Gene: DICER1 (dicer 1, ribonuclease III; minus strand). Cytogenetic location: 14q32.13.
Variant type: single nucleotide variant.
Coding change: c.5720G>T on transcript NM_177438.3 (MANE Select); coding-DNA position 5720, G replaced by T.
Protein change: p.Arg1907Ile; replaces arginine 1907 with isoleucine.
Molecular consequence: missense variant. On other transcripts: non-coding transcript variant (6), 3 prime UTR variant (1).
Genome position (GRCh38, 1-based): chr14:95,090,547, C>A on the plus strand (G>T on the coding strand, the complement: DICER1 is on the minus strand). VCF-style: chr14-95090547-C-A. GRCh37 (hg19) VCF-style: chr14-95556884-C-A.
Other names: c.5315G>T, p.Arg1772Ile (NM_001395687.1, NM_001395688.1, NM_001395689.1 and 1 more transcripts); c.5153G>T, p.Arg1718Ile (NM_001395691.1); c.4037G>T, p.Arg1346Ile (NM_001395697.1); c.5720G>T, p.Arg1907Ile (NM_030621.4, NM_001271282.3, NM_001291628.2 and 8 more transcripts); c.*67G>T (NM_001195573.1); c.5438G>T, p.Arg1813Ile (NM_001395686.1); short protein forms R1346I, R1772I, R1718I, R1813I, R1907I.
Identifiers: ClinVar variation 2566206 (VCV002566206.2), dbSNP rs2139765884, ClinGen allele CA390863071.

ClinVar aggregate classification (germline): Uncertain significance (1 of 4 stars; one submission).

Conditions:
Hereditary cancer-predisposing syndrome. Also called: Neoplastic Syndromes, Hereditary; Hereditary Cancer Syndrome; Hereditary neoplastic syndrome; Tumor predisposition. Identifiers: Orphanet 140162, MedGen C0027672, MeSH D009386, MONDO:0015356.

Submission:

Ambry Genetics
Classification: Uncertain significance for Hereditary cancer-predisposing syndrome. Last evaluated: 2023-05-26. Review status: criteria provided, single submitter. Criteria: Ambry Variant Classification Scheme 2023. Collection method: clinical testing. Allele origin: germline.
Comment: The p.R1907I variant (also known as c.5720G>T), located in coding exon 26 of the DICER1 gene, results from a G to T substitution at nucleotide position 5720. The arginine at codon 1907 is replaced by isoleucine, an amino acid with similar properties. This amino acid position is conserved. In addition, the in silico prediction for this alteration is inconclusive. Since supporting evidence is limited at this time, the clinical significance of this alteration remains unclear.